The following is an entry in ClinVar:

NM_020778.5(ALPK3):c.3026G>A (p.Arg1009Gln)

Gene: ALPK3 (alpha kinase 3; plus strand). Cytogenetic location: 15q25.3.
Variant type: single nucleotide variant.
Coding change: c.3026G>A on transcript NM_020778.5 (MANE Select); coding-DNA position 3026, G replaced by A.
Protein change: p.Arg1009Gln; replaces arginine 1009 with glutamine.
Molecular consequence: missense variant.
Genome position (GRCh38, 1-based): chr15:84,857,764, G>A. VCF-style: chr15-84857764-G-A. GRCh37 (hg19) VCF-style: chr15-85400995-G-A.
Other names: p.Arg1211Gln; short protein forms R1211Q, R1009Q.
Identifiers: ClinVar variation 452454 (VCV000452454.42), dbSNP rs138597569, ClinGen allele CA7709539.

ClinVar aggregate classification (germline): Conflicting classifications of pathogenicity. Review status: criteria provided, conflicting classifications (1 of 4 stars). 9 submissions from 9 submitters: Uncertain significance (6); Likely benign (1). 2 of the submissions do not count toward it. Last evaluated 2026-06-15.

Conditions:
ALPK3-related disorder. Also called: ALPK3-related condition.
Cardiovascular phenotype. Identifiers: MedGen CN230736.

Allele frequency attached by ClinVar (database versions not stated): ExAC 0.00007; ESP Exome Variant Server 0.00008; TOPMed 0.00015; gnomAD 0.00022.
gnomAD v4.1: 305 of 1,612,890 alleles (0.019%); highest among the groups gnomAD compares: Admixed American, 0.03%; 1 homozygote.

Submissions (9):

PreventionGenetics, part of Exact Sciences
Classification: Uncertain significance for ALPK3-related condition. Last evaluated: 2026-06-15. Review status: criteria provided, single submitter. Criteria: ACMG Guidelines, 2015. Collection method: clinical testing. Allele origin: germline.
Comment: The ALPK3 c.3632G>A variant is predicted to result in the amino acid substitution p.Arg1211Gln. This missense variant has been reported in an individual from a hypertrophic cardiomyopathy cohort, but clinical details were limited (Table S2, Bonaventura et al. 2024. PubMed ID: 38757491). This variant is reported in 0.020% of alleles in individuals of European (Non-Finnish) descent in gnomAD and is interpreted as uncertain in ClinVar (Variation ID: 452454). At this time, the clinical significance of this variant is uncertain due to the absence of conclusive functional and genetic evidence.

Labcorp Genetics (formerly Invitae), Labcorp
Classification: Uncertain significance. Last evaluated: 2026-01-10. Review status: criteria provided, single submitter. Criteria: Invitae Variant Classification Sherloc (09022015). Collection method: clinical testing. Allele origin: germline.
Comment: This sequence change replaces arginine, which is basic and polar, with glutamine, which is neutral and polar, at codon 1211 of the ALPK3 protein (p.Arg1211Gln). This variant is present in population databases (rs138597569, gnomAD 0.02%). This variant has not been reported in the literature in individuals affected with ALPK3-related conditions. ClinVar contains an entry for this variant (Variation ID: 452454). Invitae Evidence Modeling of protein sequence and biophysical properties (such as structural, functional, and spatial information, amino acid conservation, physicochemical variation, residue mobility, and thermodynamic stability) indicates that this missense variant is not expected to disrupt ALPK3 protein function with a negative predictive value of 80%. In summary, the available evidence is currently insufficient to determine the role of this variant in disease. Therefore, it has been classified as a Variant of Uncertain Significance.

Blueprint Genetics
Classification: Likely benign. Last evaluated: 2024-11-12. Review status: criteria provided, single submitter. Criteria: ACMG Guidelines, 2015. Collection method: clinical testing. Allele origin: germline.

Ambry Genetics
Classification: Uncertain significance for Cardiovascular phenotype. Last evaluated: 2024-09-16. Review status: criteria provided, single submitter. Criteria: Ambry Variant Classification Scheme 2023. Collection method: clinical testing. Allele origin: germline.
Comment: The p.R1211Q variant (also known as c.3632G>A), located in coding exon 6 of the ALPK3 gene, results from a G to A substitution at nucleotide position 3632. The arginine at codon 1211 is replaced by glutamine, an amino acid with highly similar properties. This variant has been detected in a hypertrophic cardiomyopathy cohort; however, details were limited (Bonaventura J et al. J Am Heart Assoc. 2024 May;13(10):e033565). This amino acid position is well conserved in available vertebrate species. In addition, this alteration is predicted to be tolerated by in silico analysis. Since supporting evidence is limited at this time, the clinical significance of this alteration remains unclear.

CeGaT Center for Human Genetics Tuebingen
Classification: Uncertain significance. Last evaluated: 2024-02-01. Review status: criteria provided, single submitter. Criteria: CeGaT Center For Human Genetics Tuebingen Variant Classification Criteria Version 2. Collection method: clinical testing. Allele origin: germline. Affected: yes. Observed: 1 variant allele.
Comment: ALPK3: PM2, BP4

GeneDx
Classification: Uncertain significance. Last evaluated: 2023-12-20. Review status: criteria provided, single submitter. Criteria: GeneDx Variant Classification Process June 2021. Collection method: clinical testing. Allele origin: germline. Affected: yes.
Comment: Has not been previously published as pathogenic or benign to our knowledge; In silico analysis supports that this missense variant does not alter protein structure/function

Mayo Clinic Laboratories, Mayo Clinic
Classification: Uncertain significance. Last evaluated: 2023-12-19. Review status: criteria provided, single submitter. Criteria: ACMG Guidelines, 2015. Collection method: clinical testing. Allele origin: germline. Observed: 1 variant allele.
Comment: BP4_strong

Clinical Genetics DNA and cytogenetics Diagnostics Lab, Erasmus MC, Erasmus Medical Center
Classification: Uncertain significance. Review status: no assertion criteria provided. Collection method: clinical testing. Allele origin: germline. Affected: yes. Study: VKGL Data-share Consensus. Not counted in ClinVar's aggregate classification.

Clinical Genetics, Academic Medical Center
Classification: Uncertain significance. Review status: no assertion criteria provided. Collection method: clinical testing. Allele origin: germline. Affected: yes. Study: VKGL Data-share Consensus. Not counted in ClinVar's aggregate classification.

Literature cited by the submitters: PubMed 38757491 (cited by Ambry Genetics).